The following is an entry in ClinVar:

ClinVar aggregate classification (germline): Uncertain significance (1 of 4 stars; one submission).

Conditions:
Peutz-Jeghers syndrome (PJS). Also called: Peutz-Jeghers polyposis; Periorificial lentiginosis syndrome; POLYPOSIS, HAMARTOMATOUS INTESTINAL; POLYPS-AND-SPOTS SYNDROME. Identifiers: Orphanet 2869, MedGen C0031269, MeSH D010580, MONDO:0008280, OMIM 175200.

Submission:

Labcorp Genetics (formerly Invitae), Labcorp
Classification: Uncertain significance for Peutz-Jeghers syndrome. Last evaluated: 2023-07-26. Review status: criteria provided, single submitter. Criteria: Invitae Variant Classification Sherloc (09022015). Collection method: clinical testing. Allele origin: germline.
Comment: This variant has not been reported in the literature in individuals affected with STK11-related conditions. This variant is not present in population databases (gnomAD no frequency). This sequence change replaces lysine, which is basic and polar, with glutamine, which is neutral and polar, at codon 262 of the STK11 protein (p.Lys262Gln). Advanced modeling of protein sequence and biophysical properties (such as structural, functional, and spatial information, amino acid conservation, physicochemical variation, residue mobility, and thermodynamic stability) has been performed at Invitae for this missense variant, however the output from this modeling did not meet the statistical confidence thresholds required to predict the impact of this variant on STK11 protein function. In summary, the available evidence is currently insufficient to determine the role of this variant in disease. Therefore, it has been classified as a Variant of Uncertain Significance.

NM_000455.5(STK11):c.784A>C (p.Lys262Gln)

Gene: STK11 (serine/threonine kinase 11; plus strand). Cytogenetic location: 19p13.3.
Variant type: single nucleotide variant.
Coding change: c.784A>C on transcript NM_000455.5 (MANE Select); coding-DNA position 784, A replaced by C.
Protein change: p.Lys262Gln; replaces lysine 262 with glutamine.
Molecular consequence: missense variant. On other transcripts: non-coding transcript variant (1).
Genome position (GRCh38, 1-based): chr19:1,221,262, A>C. VCF-style: chr19-1221262-A-C. GRCh37 (hg19) VCF-style: chr19-1221261-A-C.
Other names: c.784A>C, p.Lys262Gln (NM_001407255.1); short protein forms K262Q.
Identifiers: ClinVar variation 2747063 (VCV002747063.3), dbSNP rs2145426930, ClinGen allele CA402950484.